The following is an entry in ClinVar:

NM_018117.12(WDR11):c.1390C>G (p.Pro464Ala)

Gene: WDR11 (WD repeat domain 11; plus strand). Cytogenetic location: 10q26.12.
Variant type: single nucleotide variant.
Coding change: c.1390C>G on transcript NM_018117.12 (MANE Select); coding-DNA position 1390, C replaced by G.
Protein change: p.Pro464Ala; replaces proline 464 with alanine.
Molecular consequence: missense variant.
Genome position (GRCh38, 1-based): chr10:120,871,265, C>G. VCF-style: chr10-120871265-C-G. GRCh37 (hg19) VCF-style: chr10-122630777-C-G.
Other names: short protein forms P464A.
Identifiers: ClinVar variation 2217364 (VCV002217364.5), dbSNP rs146124725, ClinGen allele CA5719708.

ClinVar aggregate classification (germline): Uncertain significance. Review status: criteria provided, multiple submitters, no conflicts (2 of 4 stars). 3 submissions from 3 submitters: Uncertain significance (3). Last evaluated 2026-05-01.

Conditions:
WDR11-related disorder. Also called: WDR11-related condition.
Inborn genetic diseases. Identifiers: MedGen C0950123, MeSH D030342.

Allele frequency attached by ClinVar (database versions not stated): ExAC 0.00002.
gnomAD v4.1: 40 of 1,614,002 alleles (0.0025%); highest among the groups gnomAD compares: Admixed American, 0.01%; no homozygotes.

Submissions (3):

CeGaT Center for Human Genetics Tuebingen
Classification: Uncertain significance. Last evaluated: 2026-05-01. Review status: criteria provided, single submitter. Criteria: CeGaT Center For Human Genetics Tuebingen Variant Classification Criteria Version 2. Collection method: clinical testing. Allele origin: germline. Affected: yes. Observed: 1 variant allele.
Comment: WDR11: PM2

PreventionGenetics, part of Exact Sciences
Classification: Uncertain significance for WDR11-related condition. Last evaluated: 2025-09-18. Review status: criteria provided, single submitter. Criteria: ACMG Guidelines, 2015. Collection method: clinical testing. Allele origin: germline.
Comment: The WDR11 c.1390C>G variant is predicted to result in the amino acid substitution p.Pro464Ala. To our knowledge, this variant has not been reported in the literature. This variant is reported in 0.014% of alleles in individuals of Latino descent in gnomAD. At this time, the clinical significance of this variant is uncertain due to the absence of conclusive functional and genetic evidence.

Ambry Genetics
Classification: Uncertain significance for Inborn genetic diseases. Last evaluated: 2021-08-13. Review status: criteria provided, single submitter. Criteria: Ambry Variant Classification Scheme 2023. Collection method: clinical testing. Allele origin: germline.